The following is an entry in ClinVar:

ClinVar aggregate classification (germline): Likely benign. Review status: criteria provided, multiple submitters, no conflicts (2 of 4 stars). 2 submissions from 2 submitters: Likely benign (2). Last evaluated 2026-05-18.

Conditions:
CDH23-related disorder. Also called: CDH23-related condition; CDH23-related disorders.

Allele frequency attached by ClinVar (database versions not stated): ExAC 0.00002; gnomAD 0.00002; gnomAD exomes 0.00002 and 0.00003; TOPMed 0.00003.
gnomAD v4.1: 30 of 1,611,164 alleles (0.0019%); highest among the groups gnomAD compares: Non-Finnish European, 0.0016%; no homozygotes.

Submissions (2):

PreventionGenetics, part of Exact Sciences
Classification: Likely benign for CDH23-related condition. Last evaluated: 2026-05-18. Review status: criteria provided, single submitter. Criteria: ACMG Guidelines, 2015. Collection method: clinical testing. Allele origin: germline.
Comment: This variant is classified as likely benign based on ACMG/AMP sequence variant interpretation guidelines (Richards et al. 2015 PMID: 25741868, with internal and published modifications).

Labcorp Genetics (formerly Invitae), Labcorp
Classification: Likely benign. Last evaluated: 2025-12-17. Review status: criteria provided, single submitter. Criteria: Invitae Variant Classification Sherloc (09022015). Collection method: clinical testing. Allele origin: germline.

NM_022124.6(CDH23):c.9924G>A (p.Leu3308=)

Gene: CDH23 (cadherin related 23; plus strand). Cytogenetic location: 10q22.1.
Variant type: single nucleotide variant.
Coding change: c.9924G>A on transcript NM_022124.6 (MANE Select); coding-DNA position 9924, G replaced by A.
Protein change: p.Leu3308=; no amino-acid change (leucine 3308 retained).
Molecular consequence: synonymous variant.
Genome position (GRCh38, 1-based): chr10:71,815,137, G>A. VCF-style: chr10-71815137-G-A. GRCh37 (hg19) VCF-style: chr10-73574894-G-A.
Other names: c.9924G>A (NM_022124.5); c.3204G>A, p.Leu1068= (NM_001171933.1); c.3099G>A, p.Leu1033= (NM_001171934.1); c.615G>A, p.Leu205= (NM_001171935.1); c.510G>A, p.Leu170= (NM_001171936.1).
Identifiers: ClinVar variation 1159214 (VCV001159214.10), dbSNP rs758597981, ClinGen allele CA5547212.